The following is an entry in ClinVar:

ClinVar aggregate classification (germline): Pathogenic (1 of 4 stars; one submission).

Conditions:
Microcephaly-intellectual disability-sensorineural hearing loss-epilepsy-abnormal muscle tone syndrome (NEDHSB). Also called: NEURODEVELOPMENTAL DISORDER WITH HEARING LOSS, SEIZURES, AND BRAIN ABNORMALITIES. Identifiers: Orphanet 457351, MedGen C4225276, MONDO:0014698, OMIM 616577.

Allele frequency attached by ClinVar (database versions not stated): gnomAD exomes below 0.00001; gnomAD 0.00001 and 0.00002; TOPMed 0.00001.

Submission:

Labcorp Genetics (formerly Invitae), Labcorp
Classification: Pathogenic for Microcephaly-intellectual disability-sensorineural hearing loss-epilepsy-abnormal muscle tone syndrome. Last evaluated: 2025-12-26. Review status: criteria provided, single submitter. Criteria: Invitae Variant Classification Sherloc (09022015). Collection method: clinical testing. Allele origin: germline.
Comment: This sequence change creates a premature translational stop signal (p.Arg655Glnfs*22) in the SPATA5 gene. It is expected to result in an absent or disrupted protein product. Loss-of-function variants in SPATA5 are known to be pathogenic (PMID: 26299366). This variant is not present in population databases (gnomAD no frequency). This variant has not been reported in the literature in individuals affected with SPATA5-related conditions. ClinVar contains an entry for this variant (Variation ID: 951542). For these reasons, this variant has been classified as Pathogenic.

Literature cited by the submitters: PubMed 26299366.

NM_145207.3(AFG2A):c.1964del (p.Arg655fs)

Gene: AFG2A (AAA ATPase AFG2A; plus strand). Cytogenetic location: 4q28.1.
Variant type: Deletion.
Coding change: c.1964del on transcript NM_145207.3 (MANE Select); coding-DNA position 1964, one base deleted (G; older notation c.1964delG).
Protein change: p.Arg655fs; shifts the reading frame from arginine 655.
Molecular consequence: frameshift variant.
Genome position (GRCh38, 1-based): chr4:123,028,280, G deleted. VCF-style (leftmost placement, unchanged base first): chr4-123028279-CG-C. GRCh37 (hg19) VCF-style: chr4-123949434-CG-C.
Other names: c.1961del, p.Arg654fs (NM_001317799.2, NM_001345856.2); short protein forms R654fs, R655fs.
Identifiers: ClinVar variation 951542 (VCV000951542.8), dbSNP rs1316473569, ClinGen allele CA786468495.